The following is an entry in ClinVar:

NM_021957.4(GYS2):c.1427T>C (p.Ile476Thr)

Gene: GYS2 (glycogen synthase 2; minus strand). Cytogenetic location: 12p12.1.
Variant type: single nucleotide variant.
Coding change: c.1427T>C on transcript NM_021957.4 (MANE Select); coding-DNA position 1427, T replaced by C.
Protein change: p.Ile476Thr; replaces isoleucine 476 with threonine.
Molecular consequence: missense variant.
Genome position (GRCh38, 1-based): chr12:21,546,466, A>G on the plus strand (T>C on the coding strand, the complement: GYS2 is on the minus strand). VCF-style: chr12-21546466-A-G. GRCh37 (hg19) VCF-style: chr12-21699400-A-G.
Other names: short protein forms I476T.
Identifiers: ClinVar variation 4536694 (VCV004536694.1).

ClinVar aggregate classification (germline): Uncertain significance (1 of 4 stars; one submission).

gnomAD v4.1: 11 of 1,594,600 alleles (0.00069%); highest among the groups gnomAD compares: South Asian, 0.009%; no homozygotes.

Submission:

Women's Health and Genetics/Laboratory Corporation of America, LabCorp
Classification: Uncertain significance. Last evaluated: 2025-11-14. Review status: criteria provided, single submitter. Criteria: LabCorp Variant Classification Summary - May 2015. Collection method: clinical testing. Allele origin: germline.
Comment: Variant summary: GYS2 c.1427T>C (p.Ile476Thr) results in a non-conservative amino acid change in the encoded protein sequence. Algorithms developed to predict the effect of missense changes on protein structure and function all suggest that this variant is likely to be disruptive. The variant allele was found at a frequency of 4.1e-06 in 241560 control chromosomes. The available data on variant occurrences in the general population are insufficient to allow any conclusion about variant significance. To our knowledge, no occurrence of c.1427T>C in individuals affected with GYS2-related conditions and no experimental evidence demonstrating its impact on protein function have been reported. No submitters have cited clinical-significance assessments for this variant to ClinVar. Based on the evidence outlined above, the variant was classified as uncertain significance.